The following is an entry in ClinVar:

NM_006393.3(NEBL):c.2470G>C (p.Val824Leu)

Gene: NEBL (nebulette; minus strand). Cytogenetic location: 10p12.31.
Variant type: single nucleotide variant.
Coding change: c.2470G>C on transcript NM_006393.3 (MANE Select); coding-DNA position 2470, G replaced by C.
Protein change: p.Val824Leu; replaces valine 824 with leucine.
Molecular consequence: missense variant.
Genome position (GRCh38, 1-based): chr10:20,812,817, C>G on the plus strand (G>C on the coding strand, the complement: NEBL is on the minus strand). VCF-style: chr10-20812817-C-G. GRCh37 (hg19) VCF-style: chr10-21101746-C-G.
Other names: c.481G>C, p.Val161Leu (NM_001173484.2, NM_001377322.1, NM_213569.2); c.433G>C, p.Val145Leu (NM_001377323.1); c.424G>C, p.Val142Leu (NM_001377324.1); c.415G>C, p.Val139Leu (NM_001377325.1); c.373G>C, p.Val125Leu (NM_001377326.1, NM_001377327.1, NM_001377328.1); short protein forms V142L, V125L, V145L, V139L, V161L, V824L.
Identifiers: ClinVar variation 1961632 (VCV001961632.5), dbSNP rs1838297486, ClinGen allele CA376093275.
Genomic context (GRCh38, chr10:20,812,817, plus strand): 5'-CCGTCAGCTTACCAACAATGATTCCAGGTCTCCTGTCCATCTCCACGATGTGAGGGTGGA[C>G]CCCTTTATAGGCAGCATCGCTGACCACCTGGGTGTTCTTCCTCACTCTCTCTGTCACAGG-3'
Protein context (NP_006384.1, residues 814-834): QVVSDAAYKG[Val824Leu]HPHIVEMDRR

ClinVar aggregate classification (germline): Uncertain significance (1 of 4 stars; one submission).

Conditions:
Primary dilated cardiomyopathy (DCM). Also called: Dilated Cardiomyopathy. Identifiers: Orphanet 217604, MedGen C0007193, MeSH D002311, MONDO:0005021, HP:0001644. Inheritance: Various modes of inheritance.

Submission:

Labcorp Genetics (formerly Invitae), Labcorp
Classification: Uncertain significance for Primary dilated cardiomyopathy. Last evaluated: 2021-12-21. Review status: criteria provided, single submitter. Criteria: Invitae Variant Classification Sherloc (09022015). Collection method: clinical testing. Allele origin: germline.
Comment: In summary, the available evidence is currently insufficient to determine the role of this variant in disease. Therefore, it has been classified as a Variant of Uncertain Significance. Algorithms developed to predict the effect of missense changes on protein structure and function (SIFT, PolyPhen-2, Align-GVGD) all suggest that this variant is likely to be tolerated. This variant has not been reported in the literature in individuals affected with NEBL-related conditions. This variant is not present in population databases (gnomAD no frequency). This sequence change replaces valine, which is neutral and non-polar, with leucine, which is neutral and non-polar, at codon 824 of the NEBL protein (p.Val824Leu).